The following is an entry in ClinVar:

ClinVar aggregate classification (germline): Uncertain significance (1 of 4 stars; one submission).

Conditions:
Inborn genetic diseases. Identifiers: MedGen C0950123, MeSH D030342.

Submission:

Ambry Genetics
Classification: Uncertain significance for Inborn genetic diseases. Last evaluated: 2026-07-13. Review status: criteria provided, single submitter. Criteria: Ambry Variant Classification Scheme 2023. Collection method: clinical testing. Allele origin: germline.
Comment: The p.H499R variant (also known as c.1496A>G), located in coding exon 9 of the FANCM gene, results from an A to G substitution at nucleotide position 1496. The histidine at codon 499 is replaced by arginine, an amino acid with highly similar properties. This amino acid position is conserved. In addition, this alteration is predicted to be tolerated by in silico analysis. Based on the available evidence, the clinical significance of this variant remains unclear.

NM_020937.4(FANCM):c.1496A>G (p.His499Arg)

Gene: FANCM (FA complementation group M; plus strand). Cytogenetic location: 14q21.2.
Variant type: single nucleotide variant.
Coding change: c.1496A>G on transcript NM_020937.4 (MANE Select); coding-DNA position 1496, A replaced by G.
Protein change: p.His499Arg; replaces histidine 499 with arginine.
Molecular consequence: missense variant.
Genome position (GRCh38, 1-based): chr14:45,159,195, A>G. VCF-style: chr14-45159195-A-G. GRCh37 (hg19) VCF-style: chr14-45628398-A-G.
Other names: c.1418A>G, p.His473Arg (NM_001308133.2); c.1496A>G, p.His499Arg (NM_001308134.2); short protein forms H473R, H499R.
Identifiers: ClinVar variation 5036611 (VCV005036611.1).
Genomic context (GRCh38, chr14:45,159,195, plus strand): 5'-TTATGATCTTCTCTTCATTTCGAGATAGTGTTCAAGAAATTGCAGAAATGCTTTCACAGC[A>G]TCAGCCAATTATTAGAGTAATGACTTTTGTCGGCCATGCCTCAGGGAAAAGCACGAAGGG-3'
Protein context (NP_065988.1, residues 489-509): VQEIAEMLSQ[His499Arg]QPIIRVMTFV